The following is an entry in ClinVar:

ClinVar aggregate classification (germline): Pathogenic (1 of 4 stars; one submission).

Submission:

Labcorp Genetics (formerly Invitae), Labcorp
Classification: Pathogenic. Last evaluated: 2019-10-11. Review status: criteria provided, single submitter. Criteria: Invitae Variant Classification Sherloc (09022015). Collection method: clinical testing. Allele origin: germline.
Comment: For these reasons, this variant has been classified as Pathogenic. Loss-of-function variants in SMARCB1 are known to be pathogenic (PMID: 10521299, 21208904). This variant has been observed in individuals affected with schwannomas and malignant rhabdoid tumor (PMID: 24123847, 21108436). It has also been observed to segregate with disease in a family (PMID: 19124645). This variant results in a copy number gain of the genomic region encompassing exon 6 of the SMARCB1 gene. While the exact position of this variant cannot be determined from this data, sub-genic copy number gains are generally in tandem (PMID: 25640679) and may result in an absent or disrupted protein product.

Literature cited by the submitters: PubMed 10521299; PubMed 21208904; PubMed 24123847; PubMed 21108436; PubMed 19124645; PubMed 25640679.

NC_000022.11:g.(?_23816760)_(23816946_?)dup

Gene: SMARCB1 (SWI/SNF related BAF chromatin remodeling complex subunit B1; plus strand). Cytogenetic location: 22q11.23.
Variant type: Duplication.
Identifiers: ClinVar variation 831011 (VCV000831011.7).